The following is an entry in ClinVar:

ClinVar aggregate classification (germline): Pathogenic (1 of 4 stars; one submission).

Conditions:
Melnick-Needles syndrome (MNS). Also called: MELNICK-NEEDLES OSTEODYSPLASTY; Melnick-Needles Syndrome (FLNA-MNS); OSTEODYSPLASTY OF MELNICK AND NEEDLES. Identifiers: Orphanet 2484, MedGen C0025237, MONDO:0010650, OMIM 309350.
Frontometaphyseal dysplasia (FMD1). Identifiers: Orphanet 1826, MedGen C0265293, MONDO:0015942.
Heterotopia, periventricular, X-linked dominant (PVNH1). Also called: PERIVENTRICULAR NODULAR HETEROTOPIA 1; X-linked periventricular heterotopia; PERIVENTRICULAR NODULAR HETEROTOPIA 4; HETEROTOPIA, PERIVENTRICULAR, 1. Identifiers: Orphanet 2149, Orphanet 82004, MedGen C1848213, MONDO:0010233, OMIM 300049.
Oto-palato-digital syndrome, type II (OPD2). Also called: FACIOPALATOOSSEOUS SYNDROME; Otopalatodigital Syndrome Type 2 (FLNA-OPD2); OPD II SYNDROME; Otopalatodigital Syndrome, Type II. Identifiers: Orphanet 669, Orphanet 90652, MedGen C1844696, MONDO:0010571, OMIM 304120.

Submission:

Labcorp Genetics (formerly Invitae), Labcorp
Classification: Pathogenic for Oto-palato-digital syndrome, type II; Heterotopia, periventricular, X-linked dominant; Frontometaphyseal dysplasia; Melnick-Needles syndrome. Last evaluated: 2021-11-01. Review status: criteria provided, single submitter. Criteria: Invitae Variant Classification Sherloc (09022015). Collection method: clinical testing. Allele origin: germline.
Comment: For these reasons, this variant has been classified as Pathogenic. Algorithms developed to predict the effect of sequence changes on RNA splicing suggest that this variant may create or strengthen a splice site. This variant has not been reported in the literature in individuals affected with FLNA-related conditions. This variant is not present in population databases (gnomAD no frequency). This sequence change creates a premature translational stop signal (p.Trp636*) in the FLNA gene. It is expected to result in an absent or disrupted protein product. Loss-of-function variants in FLNA are known to be pathogenic (PMID: 16684786, 20730588, 26471271).

Literature cited by the submitters: PubMed 16684786; PubMed 20730588; PubMed 26471271.

NM_001110556.2(FLNA):c.1907G>A (p.Trp636Ter)

Gene: FLNA (filamin A; minus strand). Cytogenetic location: Xq28.
Variant type: single nucleotide variant.
Coding change: c.1907G>A on transcript NM_001110556.2 (MANE Select); coding-DNA position 1907, G replaced by A.
Protein change: p.Trp636Ter; replaces tryptophan 636 with a stop codon.
Molecular consequence: nonsense.
Genome position (GRCh38, 1-based): chrX:154,364,641, C>T on the plus strand (G>A on the coding strand, the complement: FLNA is on the minus strand). VCF-style: chrX-154364641-C-T. GRCh37 (hg19) VCF-style: chrX-153593009-C-T.
Other names: c.1907G>A, p.Trp636Ter (NM_001456.4); short protein forms W636*.
Identifiers: ClinVar variation 1457377 (VCV001457377.6), dbSNP rs2148116288, ClinGen allele CA415241718.